The following is an entry in ClinVar:

NM_020184.4(CNNM4):c.1937C>T (p.Ser646Leu)

Gene: CNNM4 (cyclin and CBS domain divalent metal cation transport mediator 4; plus strand). Cytogenetic location: 2q11.2.
Variant type: single nucleotide variant.
Coding change: c.1937C>T on transcript NM_020184.4 (MANE Select); coding-DNA position 1937, C replaced by T.
Protein change: p.Ser646Leu; replaces serine 646 with leucine.
Molecular consequence: missense variant.
Genome position (GRCh38, 1-based): chr2:96,799,637, C>T. VCF-style: chr2-96799637-C-T. GRCh37 (hg19) VCF-style: chr2-97465374-C-T.
Other names: short protein forms S646L.
Identifiers: ClinVar variation 1495984 (VCV001495984.6), dbSNP rs908185848, ClinGen allele CA52453688.

ClinVar aggregate classification (germline): Uncertain significance (1 of 4 stars; one submission).

Allele frequency attached by ClinVar (database versions not stated): gnomAD 0.00001; gnomAD exomes 0.00001; TOPMed 0.00002.
gnomAD v4.1: 15 of 1,551,372 alleles (0.00097%); highest among the groups gnomAD compares: Admixed American, 0.002%; no homozygotes.

Submission:

Labcorp Genetics (formerly Invitae), Labcorp
Classification: Uncertain significance. Last evaluated: 2021-08-04. Review status: criteria provided, single submitter. Criteria: Invitae Variant Classification Sherloc (09022015). Collection method: clinical testing. Allele origin: germline.
Comment: In summary, the available evidence is currently insufficient to determine the role of this variant in disease. Therefore, it has been classified as a Variant of Uncertain Significance. Algorithms developed to predict the effect of missense changes on protein structure and function output the following: SIFT: "Tolerated"; PolyPhen-2: "Benign"; Align-GVGD: "Class C0". The leucine amino acid residue is found in multiple mammalian species, which suggests that this missense change does not adversely affect protein function. This variant has not been reported in the literature in individuals affected with CNNM4-related conditions. This variant is not present in population databases (ExAC no frequency). This sequence change replaces serine with leucine at codon 646 of the CNNM4 protein (p.Ser646Leu). The serine residue is weakly conserved and there is a large physicochemical difference between serine and leucine.